The following is an entry in ClinVar:

NM_002386.4(MC1R):c.86A>C (p.Asn29Thr)

Gene: MC1R (melanocortin 1 receptor; plus strand). Cytogenetic location: 16q24.3.
Variant type: single nucleotide variant.
Coding change: c.86A>C on transcript NM_002386.4 (MANE Select); coding-DNA position 86, A replaced by C.
Protein change: p.Asn29Thr; replaces asparagine 29 with threonine.
Molecular consequence: missense variant.
Genome position (GRCh38, 1-based): chr16:89,919,344, A>C. VCF-style: chr16-89919344-A-C. GRCh37 (hg19) VCF-style: chr16-89985752-A-C.
Other names: short protein forms N29T.
Identifiers: ClinVar variation 4104869 (VCV004104869.1).

ClinVar aggregate classification (germline): Uncertain significance (1 of 4 stars; one submission).

Submission:

Ambry Genetics
Classification: Uncertain significance. Last evaluated: 2025-08-02. Review status: criteria provided, single submitter. Criteria: Ambry Variant Classification Scheme 2023. Collection method: clinical testing. Allele origin: germline.
Comment: The p.N29T variant (also known as c.86A>C), located in coding exon 1 of the MC1R gene, results from an A to C substitution at nucleotide position 86. The asparagine at codon 29 is replaced by threonine, an amino acid with similar properties. This amino acid position is conserved. In addition, this alteration is predicted to be tolerated by in silico analysis. Based on the available evidence, the clinical significance of this variant remains unclear.